The following is an entry in ClinVar:

ClinVar aggregate classification (germline): Benign/Likely benign. Review status: criteria provided, multiple submitters, no conflicts (2 of 4 stars). 2 submissions from 2 submitters: Benign (1); Likely benign (1). Last evaluated 2026-01-05.

Conditions:
Hypertrophic cardiomyopathy. Also called: HYPERTROPHIC MYOCARDIOPATHY. Identifiers: Orphanet 217569, MedGen C0007194, MeSH D002312, MONDO:0005045, HP:0001639.

Allele frequency attached by ClinVar (database versions not stated): gnomAD exomes 0.00018 and 0.00042; ExAC 0.00039; 1000 Genomes Project 0.00120; ESP Exome Variant Server 0.00127; 1000 Genomes Project 30x 0.00141; TOPMed 0.00149.
gnomAD v4.1: 460 of 1,605,834 alleles (0.029%); highest among the groups gnomAD compares: African/African-American, 0.42%; 1 homozygote.

Submissions (2):

Labcorp Genetics (formerly Invitae), Labcorp
Classification: Benign for Hypertrophic cardiomyopathy. Last evaluated: 2026-01-05. Review status: criteria provided, single submitter. Criteria: Invitae Variant Classification Sherloc (09022015). Collection method: clinical testing. Allele origin: germline.

Laboratory for Molecular Medicine, Mass General Brigham Personalized Medicine
Classification: Likely benign. Last evaluated: 2016-09-01. Review status: criteria provided, single submitter. Criteria: LMM Criteria. Collection method: clinical testing. Allele origin: germline. Observed: 1 variant allele.
Comment: c.2385-13G>A in intron 16 of MYOM1: This variant is not expected to have clinica l significance because it has been identified in 0.4% (36/8860) of African chrom osomes by the Exome Aggregation Consortium (ExAC ; dbSNP rs116126674).

NM_003803.4(MYOM1):c.2385-13G>A

Gene: MYOM1 (myomesin 1; minus strand). Cytogenetic location: 18p11.31.
Variant type: single nucleotide variant.
Coding change: c.2385-13G>A on transcript NM_003803.4 (MANE Select); 13 bases into the intron before coding-DNA position 2385, G replaced by A.
Molecular consequence: intron variant.
Genome position (GRCh38, 1-based): chr18:3,131,509, C>T on the plus strand (G>A on the coding strand, the complement: MYOM1 is on the minus strand). VCF-style: chr18-3131509-C-T. GRCh37 (hg19) VCF-style: chr18-3131507-C-T.
Other names: c.2385-13G>A (NM_019856.2).
Identifiers: ClinVar variation 504811 (VCV000504811.13), dbSNP rs116126674, ClinGen allele CA8874643.
Genomic context (GRCh38, chr18:3,131,509, plus strand): 5'-ACCCGGAAAATATAACTCTGACCAGTCACTAATCCATGACAAGTGAATCTAAAAGGAAAA[C>T]AAGTTTTAAAAAATTTTCCTAGGAGGAAGATTAAGGAAGATGATTGTTAGCTTAATGGAG-3'